The following is an entry in ClinVar:

ClinVar aggregate classification (germline): Uncertain significance. Review status: criteria provided, multiple submitters, no conflicts (2 of 4 stars). 2 submissions from 2 submitters: Uncertain significance (2). Last evaluated 2021-08-05.

Conditions:
Bethlem myopathy 1A. Also called: Bethlem Muscular Dystrophy; Bethlem myopathy 1; MYOPATHY, BENIGN CONGENITAL, WITH CONTRACTURES. Identifiers: Orphanet 610, MedGen CN029274, MONDO:0024530, OMIM 158810.

Allele frequency attached by ClinVar (database versions not stated): TOPMed 0.00003.
gnomAD v4.1: 5 of 1,614,086 alleles (0.00031%); highest among the groups gnomAD compares: African/African-American, 0.0027%; no homozygotes.

Submissions (2):

Labcorp Genetics (formerly Invitae), Labcorp
Classification: Uncertain significance for Bethlem myopathy 1A. Last evaluated: 2021-08-05. Review status: criteria provided, single submitter. Criteria: Invitae Variant Classification Sherloc (09022015). Collection method: clinical testing. Allele origin: germline.
Comment: This variant is not present in population databases (ExAC no frequency). This sequence change replaces lysine with glutamine at codon 1014 of the COL6A3 protein (p.Lys1014Gln). The lysine residue is moderately conserved and there is a small physicochemical difference between lysine and glutamine. This variant has not been reported in the literature in individuals affected with COL6A3-related conditions. In summary, the available evidence is currently insufficient to determine the role of this variant in disease. Therefore, it has been classified as a Variant of Uncertain Significance. Advanced modeling of protein sequence and biophysical properties (such as structural, functional, and spatial information, amino acid conservation, physicochemical variation, residue mobility, and thermodynamic stability) performed at Invitae indicates that this missense variant is not expected to disrupt COL6A3 protein function. ClinVar contains an entry for this variant (Variation ID: 597831).

Eurofins Ntd Llc (ga)
Classification: Uncertain significance. Last evaluated: 2018-07-02. Review status: criteria provided, single submitter. Criteria: EGL ClinVar v180209 classification definitions. Collection method: clinical testing. Allele origin: germline. Observed: 1 variant allele, 1 heterozygote.

NM_004369.4(COL6A3):c.3040A>C (p.Lys1014Gln)

Gene: COL6A3 (collagen type VI alpha 3 chain; minus strand). Cytogenetic location: 2q37.3.
Variant type: single nucleotide variant.
Coding change: c.3040A>C on transcript NM_004369.4 (MANE Select); coding-DNA position 3040, A replaced by C.
Protein change: p.Lys1014Gln; replaces lysine 1014 with glutamine.
Molecular consequence: missense variant.
Genome position (GRCh38, 1-based): chr2:237,376,802, T>G on the plus strand (A>C on the coding strand, the complement: COL6A3 is on the minus strand). VCF-style: chr2-237376802-T-G. GRCh37 (hg19) VCF-style: chr2-238285445-T-G.
Other names: c.1819A>C, p.Lys607Gln (NM_057164.5); c.2422A>C, p.Lys808Gln (NM_057165.5, NM_057167.4); c.1219A>C, p.Lys407Gln (NM_057166.5); short protein forms K1014Q, K808Q, K407Q, K607Q.
Identifiers: ClinVar variation 597831 (VCV000597831.10), dbSNP rs114284669, ClinGen allele CA67825121.
Genomic context (GRCh38, chr2:237,376,802, plus strand): 5'-GGCAGAGCAACTAGCATTTCTCTACCATACCTGGTGCTGGTGCTCCGTTGTGCACTGATT[T>G]TAAGAGATTCACTATCTGTGGATGAAGATCTCCAATCTTGGGAAGCGACTCTGCAGCCAG-3'
Protein context (NP_004360.2, residues 1004-1024): DLHPQIVNLL[Lys1014Gln]SVHNGAPAPV